The following is an entry in ClinVar:

NM_001250.6(CD40):c.498-168G>T

Gene: CD40 (CD40 molecule; plus strand). Cytogenetic location: 20q13.12.
Variant type: single nucleotide variant.
Coding change: c.498-168G>T on transcript NM_001250.6 (MANE Select); 168 bases into the intron before coding-DNA position 498, G replaced by T.
Molecular consequence: intron variant.
Genome position (GRCh38, 1-based): chr20:46,126,472, G>T. VCF-style: chr20-46126472-G-T. GRCh37 (hg19) VCF-style: chr20-44755111-G-T.
Other names: c.498-168G>T (NM_001302753.2, NM_001322421.2, NM_001362758.2); c.498-1666G>T (NM_152854.4); c.404-1666G>T (NM_001322422.2).
Identifiers: ClinVar variation 1225541 (VCV001225541.4), dbSNP rs3746821, ClinGen allele CA14848917.

ClinVar aggregate classification (germline): Benign. Review status: criteria provided, multiple submitters, no conflicts (2 of 4 stars). 2 submissions from 2 submitters: Benign (2). Last evaluated 2019-09-20.

Allele frequency attached by ClinVar (database versions not stated): TOPMed 0.12458; 1000 Genomes Project 30x 0.17567; 1000 Genomes Project 0.18191.
gnomAD v4.1: 19,214 of 152,190 alleles (13%); highest among the groups gnomAD compares: East Asian, 42%; 1,504 homozygotes.

Submissions (2):

GeneDx
Classification: Benign. Last evaluated: 2019-09-20. Review status: criteria provided, single submitter. Criteria: GeneDx Variant Classification Process June 2021. Collection method: clinical testing. Allele origin: germline. Affected: yes.
Comment: This variant is associated with the following publications: (PMID: 22446962)

Breakthrough Genomics
Classification: Benign. Review status: criteria provided, single submitter. Criteria: ACMG Guidelines, 2015. Collection method: not provided. Allele origin: germline. Inheritance: Autosomal recessive inheritance. Affected: yes.